The following is an entry in ClinVar:

NM_006766.5(KAT6A):c.4423C>A (p.His1475Asn)

Gene: KAT6A (lysine acetyltransferase 6A; minus strand). Cytogenetic location: 8p11.21.
Variant type: single nucleotide variant.
Coding change: c.4423C>A on transcript NM_006766.5 (MANE Select); coding-DNA position 4423, C replaced by A.
Protein change: p.His1475Asn; replaces histidine 1475 with asparagine.
Molecular consequence: missense variant.
Genome position (GRCh38, 1-based): chr8:41,933,797, G>T on the plus strand (C>A on the coding strand, the complement: KAT6A is on the minus strand). VCF-style: chr8-41933797-G-T. GRCh37 (hg19) VCF-style: chr8-41791315-G-T.
Other names: short protein forms H1475N.
Identifiers: ClinVar variation 4747343 (VCV004747343.1).

ClinVar aggregate classification (germline): Uncertain significance (1 of 4 stars; one submission).

Submission:

Labcorp Genetics (formerly Invitae), Labcorp
Classification: Uncertain significance. Last evaluated: 2025-08-19. Review status: criteria provided, single submitter. Criteria: Invitae Variant Classification Sherloc (09022015). Collection method: clinical testing. Allele origin: germline.
Comment: This sequence change replaces histidine, which is basic and polar, with asparagine, which is neutral and polar, at codon 1475 of the KAT6A protein (p.His1475Asn). This variant is not present in population databases (gnomAD no frequency). This variant has not been reported in the literature in individuals affected with KAT6A-related conditions. Invitae Evidence Modeling of protein sequence and biophysical properties (such as structural, functional, and spatial information, amino acid conservation, physicochemical variation, residue mobility, and thermodynamic stability) indicates that this missense variant is not expected to disrupt KAT6A protein function with a negative predictive value of 95%. In summary, the available evidence is currently insufficient to determine the role of this variant in disease. Therefore, it has been classified as a Variant of Uncertain Significance.